The following is an entry in ClinVar:

NM_024675.4(PALB2):c.3498T>A (p.Gly1166=)

Gene: PALB2 (partner and localizer of BRCA2; minus strand). Cytogenetic location: 16p12.2.
Variant type: single nucleotide variant.
Coding change: c.3498T>A on transcript NM_024675.4 (MANE Select); coding-DNA position 3498, T replaced by A.
Protein change: p.Gly1166=; no amino-acid change (glycine 1166 retained).
Molecular consequence: synonymous variant.
Genome position (GRCh38, 1-based): chr16:23,603,522, A>T on the plus strand (T>A on the coding strand, the complement: PALB2 is on the minus strand). VCF-style: chr16-23603522-A-T. GRCh37 (hg19) VCF-style: chr16-23614843-A-T.
Identifiers: ClinVar variation 1549113 (VCV001549113.12), dbSNP rs2142252267, ClinGen allele CA494173559.
Genomic context (GRCh38, chr16:23,603,522, plus strand): 5'-TGAATAGTGGTATACAAATATATTTCCATCTTTTTGTCCAGCCAGCAAATGAGAGTCTGT[A>T]CCCGACCATTTCACAAAAGACCAATGTTGGTCAGAGACAGGTGGGAGGAGGGCAGTACAC-3'
Protein context (NP_078951.2, residues 1156-1176): DQHWSFVKWS[Gly1166=]TDSHLLAGQK

ClinVar aggregate classification (germline): Benign/Likely benign. Review status: criteria provided, multiple submitters, no conflicts (2 of 4 stars). 3 submissions from 3 submitters: Benign (1); Likely benign (2). Last evaluated 2025-01-22.

Conditions:
Hereditary cancer-predisposing syndrome. Also called: Hereditary neoplastic syndrome; Tumor predisposition; Neoplastic Syndromes, Hereditary; Hereditary Cancer Syndrome. Identifiers: Orphanet 140162, MedGen C0027672, MeSH D009386, MONDO:0015356.
Familial cancer of breast. Also called: hereditary breast carcinoma; Hereditary breast cancer; BREAST CANCER, FAMILIAL. Identifiers: Orphanet 227535, MedGen C0346153, MONDO:0016419, OMIM 114480. Disease mechanism: loss of function.

Submissions (3):

Myriad Genetics, Inc.
Classification: Benign for Familial cancer of breast. Last evaluated: 2025-01-22. Review status: criteria provided, single submitter. Criteria: Myriad Autosomal Dominant, Autosomal Recessive and X-Linked Classification Criteria (2023). Collection method: clinical testing. Allele origin: unknown.
Comment: This variant is considered benign. This variant is a silent/synonymous amino acid change and it is not expected to impact splicing.

Ambry Genetics
Classification: Likely benign for Hereditary cancer-predisposing syndrome. Last evaluated: 2022-05-14. Review status: criteria provided, single submitter. Criteria: Ambry Variant Classification Scheme 2023. Collection method: clinical testing. Allele origin: germline.

Labcorp Genetics (formerly Invitae), Labcorp
Classification: Likely benign for Familial cancer of breast. Last evaluated: 2021-05-03. Review status: criteria provided, single submitter. Criteria: Invitae Variant Classification Sherloc (09022015). Collection method: clinical testing. Allele origin: germline.